The following is an entry in ClinVar:

NM_012431.3(SEMA3E):c.201A>G (p.Gln67=)

Gene: SEMA3E (semaphorin 3E; minus strand). Cytogenetic location: 7q21.11.
Variant type: single nucleotide variant.
Coding change: c.201A>G on transcript NM_012431.3 (MANE Select); coding-DNA position 201, A replaced by G.
Protein change: p.Gln67=; no amino-acid change (glutamine 67 retained).
Molecular consequence: synonymous variant.
Genome position (GRCh38, 1-based): chr7:83,490,189, T>C on the plus strand (A>G on the coding strand, the complement: SEMA3E is on the minus strand). VCF-style: chr7-83490189-T-C. GRCh37 (hg19) VCF-style: chr7-83119505-T-C.
Other names: c.21A>G, p.Gln7= (NM_001178129.2).
Identifiers: ClinVar variation 3032812 (VCV003032812.2), dbSNP rs1017152655, ClinGen allele CA161186077.

ClinVar aggregate classification (germline): Likely benign (0 of 4 stars; one submission).

Conditions:
SEMA3E-related disorder. Also called: SEMA3E-related condition.

Allele frequency attached by ClinVar (database versions not stated): gnomAD exomes 0.00001.
gnomAD v4.1: 15 of 1,613,154 alleles (0.00093%); highest among the groups gnomAD compares: Middle Eastern, 0.016%; no homozygotes.

Submission:

PreventionGenetics, part of Exact Sciences
Classification: Likely benign for SEMA3E-related condition. Last evaluated: 2023-05-23. Review status: no assertion criteria provided. Collection method: clinical testing. Allele origin: germline.
Comment: This variant is classified as likely benign based on ACMG/AMP sequence variant interpretation guidelines (Richards et al. 2015 PMID: 25741868, with internal and published modifications).